The following is an entry in ClinVar:

NM_000093.5(COL5A1):c.935C>G (p.Pro312Arg)

Gene: COL5A1 (collagen type V alpha 1 chain; plus strand). Cytogenetic location: 9q34.3.
Variant type: single nucleotide variant.
Coding change: c.935C>G on transcript NM_000093.5 (MANE Select); coding-DNA position 935, C replaced by G.
Protein change: p.Pro312Arg; replaces proline 312 with arginine.
Molecular consequence: missense variant.
Genome position (GRCh38, 1-based): chr9:134,730,246, C>G. VCF-style: chr9-134730246-C-G. GRCh37 (hg19) VCF-style: chr9-137622092-C-G.
Other names: c.935C>G, p.Pro312Arg (NM_001278074.1); short protein forms P312R.
Identifiers: ClinVar variation 1320980 (VCV001320980.8), dbSNP rs367726185, ClinGen allele CA5318602.
Genomic context (GRCh38, chr9:134,730,246, plus strand): 5'-CACTGCCGGCCTCCGCCCTGACTCCAGCTGTCTCTGTCCTTGGCTCCCAGGAGCTGACCC[C>G]GACCCCCACGGAAGCTGCTCCCATGCCTGAAACCAGTGAAGGGGCTGGGAAGGAAGAGGA-3'
Protein context (NP_000084.3, residues 302-322): ETTEVPEELT[Pro312Arg]TPTEAAPMPE

ClinVar aggregate classification (germline): Conflicting classifications of pathogenicity. Review status: criteria provided, conflicting classifications (1 of 4 stars). 4 submissions from 4 submitters: Uncertain significance (2); Benign (1); Likely benign (1). Last evaluated 2024-10-14.

Conditions:
Ehlers-Danlos syndrome, classic type, 1 (EDSCL1). Also called: Ehlers-Danlos syndrome, type 1; Ehlers-Danlos Syndrome, Classic Type, COL5A1-Related; EDS I; EHLERS-DANLOS SYNDROME, GRAVIS TYPE; EHLERS-DANLOS SYNDROME, SEVERE CLASSIC TYPE. Identifiers: MedGen C0268335, MONDO:0019567, OMIM 130000.
Familial thoracic aortic aneurysm and aortic dissection (TAAD). Also called: Thoracic aortic aneurysms and dissections. Identifiers: Orphanet 91387, MedGen C4707243, MONDO:0019625.

gnomAD v4.1: 4 of 1,613,680 alleles (0.00025%); highest among the groups gnomAD compares: Admixed American, 0.005%; no homozygotes.

Submissions (4):

Ambry Genetics
Classification: Likely benign for Familial thoracic aortic aneurysm and aortic dissection. Last evaluated: 2024-10-14. Review status: criteria provided, single submitter. Criteria: Ambry Variant Classification Scheme 2023. Collection method: clinical testing. Allele origin: germline.

Labcorp Genetics (formerly Invitae), Labcorp
Classification: Benign for Ehlers-Danlos syndrome, classic type, 1. Last evaluated: 2023-10-22. Review status: criteria provided, single submitter. Criteria: Invitae Variant Classification Sherloc (09022015). Collection method: clinical testing. Allele origin: germline.

GeneDx
Classification: Uncertain significance. Last evaluated: 2022-02-08. Review status: criteria provided, single submitter. Criteria: GeneDx Variant Classification Process June 2021. Collection method: clinical testing. Allele origin: germline. Affected: yes.
Comment: Has not been previously published as pathogenic or benign to our knowledge; Not observed at a significant frequency in large population cohorts (gnomAD); In silico analysis supports that this missense variant does not alter protein structure/function; Not located in the triple helical region, where the majority of pathogenic missense variants occur (Symoens et al., 2012; HGMD); This variant is associated with the following publications: (PMID: 22696272)

Blueprint Genetics
Classification: Uncertain significance. Last evaluated: 2017-12-20. Review status: criteria provided, single submitter. Criteria: ACMG Guidelines, 2015. Collection method: clinical testing. Allele origin: germline.